The following is an entry in ClinVar:

ClinVar aggregate classification (germline): Uncertain significance (1 of 4 stars; one submission).

Submission:

Labcorp Genetics (formerly Invitae), Labcorp
Classification: Uncertain significance. Last evaluated: 2023-10-13. Review status: criteria provided, single submitter. Criteria: Invitae Variant Classification Sherloc (09022015). Collection method: clinical testing. Allele origin: germline.
Comment: This sequence change replaces asparagine, which is neutral and polar, with tyrosine, which is neutral and polar, at codon 172 of the TRMT5 protein (p.Asn172Tyr). This variant is not present in population databases (gnomAD no frequency). This variant has not been reported in the literature in individuals affected with TRMT5-related conditions. ClinVar contains an entry for this variant (Variation ID: 1477230). Advanced modeling of protein sequence and biophysical properties (such as structural, functional, and spatial information, amino acid conservation, physicochemical variation, residue mobility, and thermodynamic stability) performed at Invitae indicates that this missense variant is expected to disrupt TRMT5 protein function. In summary, the available evidence is currently insufficient to determine the role of this variant in disease. Therefore, it has been classified as a Variant of Uncertain Significance.

NM_020810.3(TRMT5):c.514A>T (p.Asn172Tyr)

Gene: TRMT5 (tRNA methyltransferase 5; minus strand). Cytogenetic location: 14q23.1.
Variant type: single nucleotide variant.
Coding change: c.514A>T on transcript NM_020810.3 (MANE Select); coding-DNA position 514, A replaced by T.
Protein change: p.Asn172Tyr; replaces asparagine 172 with tyrosine.
Molecular consequence: missense variant.
Genome position (GRCh38, 1-based): chr14:60,979,384, T>A on the plus strand (A>T on the coding strand, the complement: TRMT5 is on the minus strand). VCF-style: chr14-60979384-T-A. GRCh37 (hg19) VCF-style: chr14-61446102-T-A.
Other names: c.598A>T, p.Asn200Tyr (NM_001350253.1); c.595A>T, p.Asn199Tyr (NM_001350254.1); short protein forms N172Y, N200Y, N199Y.
Identifiers: ClinVar variation 1477230 (VCV001477230.8), dbSNP rs2139645064, ClinGen allele CA389920744.